The following is an entry in ClinVar:

NM_014141.6(CNTNAP2):c.718C>A (p.Leu240Met)

Gene: CNTNAP2 (contactin associated protein 2; plus strand). Cytogenetic location: 7q35.
Variant type: single nucleotide variant.
Coding change: c.718C>A on transcript NM_014141.6 (MANE Select); coding-DNA position 718, C replaced by A.
Protein change: p.Leu240Met; replaces leucine 240 with methionine.
Molecular consequence: missense variant.
Genome position (GRCh38, 1-based): chr7:147,108,314, C>A. VCF-style: chr7-147108314-C-A. GRCh37 (hg19) VCF-style: chr7-146805406-C-A.
Other names: short protein forms L240M.
Identifiers: ClinVar variation 3494714 (VCV003494714.2).

ClinVar aggregate classification (germline): Uncertain significance. Review status: criteria provided, multiple submitters, no conflicts (2 of 4 stars). 2 submissions from 2 submitters: Uncertain significance (2). Last evaluated 2024-12-04.

Conditions:
Inborn genetic diseases. Identifiers: MedGen C0950123, MeSH D030342.

gnomAD v4.1: 12 of 1,613,328 alleles (0.00074%); highest among the groups gnomAD compares: Non-Finnish European, 0.00093%; no homozygotes.

Submissions (2):

Ambry Genetics
Classification: Uncertain significance for Inborn genetic diseases. Last evaluated: 2024-12-04. Review status: criteria provided, single submitter. Criteria: Ambry Variant Classification Scheme 2023. Collection method: clinical testing. Allele origin: germline.

Athena Diagnostics
Classification: Uncertain significance. Last evaluated: 2024-09-13. Review status: criteria provided, single submitter. Criteria: Athena Diagnostics Criteria. Collection method: clinical testing. Allele origin: unknown.
Comment: Available data are insufficient to determine the clinical significance of the variant at this time. The frequency of this variant in the general population is uninformative in assessment of its pathogenicity. Polyphen and MutationTaster yielded discordant predictions regarding whether this amino acid change is damaging to the protein.